The following is an entry in ClinVar:

ClinVar aggregate classification (germline): Likely benign. Review status: criteria provided, multiple submitters, no conflicts (2 of 4 stars). 2 submissions from 2 submitters: Likely benign (2). Last evaluated 2026-01-16.

Conditions:
Cohen syndrome (COH1). Also called: PEPPER SYNDROME; Cutis verticis gyrata, retinitis pigmentosa, and sensorineural deafness. Identifiers: Orphanet 193, MedGen C0265223, MONDO:0008999, OMIM 216550.
VPS13B-related disorder. Also called: VPS13B-related condition.

Allele frequency attached by ClinVar (database versions not stated): gnomAD exomes below 0.00001; ExAC 0.00001; gnomAD 0.00001; TOPMed 0.00001.
gnomAD v4.1: 5 of 1,613,880 alleles (0.00031%); highest among the groups gnomAD compares: African/African-American, 0.0027%; no homozygotes.

Submissions (2):

Labcorp Genetics (formerly Invitae), Labcorp
Classification: Likely benign for Cohen syndrome. Last evaluated: 2026-01-16. Review status: criteria provided, single submitter. Criteria: Invitae Variant Classification Sherloc (09022015). Collection method: clinical testing. Allele origin: germline.

PreventionGenetics, part of Exact Sciences
Classification: Likely benign for VPS13B-related condition. Last evaluated: 2025-06-10. Review status: criteria provided, single submitter. Criteria: ACMG Guidelines, 2015. Collection method: clinical testing. Allele origin: germline.
Comment: This variant is classified as likely benign based on ACMG/AMP sequence variant interpretation guidelines (Richards et al. 2015 PMID: 25741868, with internal and published modifications).

NM_152564.5(VPS13B):c.10405T>C (p.Leu3469=)

Gene: VPS13B (vacuolar protein sorting 13 homolog B; plus strand). Cytogenetic location: 8q22.2.
Variant type: single nucleotide variant.
Coding change: c.10405T>C on transcript NM_152564.5 (MANE Select); coding-DNA position 10405, T replaced by C.
Protein change: p.Leu3469=; no amino-acid change (leucine 3469 retained).
Molecular consequence: synonymous variant.
Genome position (GRCh38, 1-based): chr8:99,853,794, T>C. VCF-style: chr8-99853794-T-C. GRCh37 (hg19) VCF-style: chr8-100866022-T-C.
Other names: c.10480T>C, p.Leu3494= (NM_017890.5).
Identifiers: ClinVar variation 2740098 (VCV002740098.4), dbSNP rs762637042, ClinGen allele CA4824943.